The following is an entry in ClinVar:

ClinVar aggregate classification (germline): Likely pathogenic. Review status: reviewed by expert panel (3 of 4 stars). 16 submissions from 16 submitters: Likely pathogenic (1). 15 of the submissions do not count toward it. Last evaluated 2026-04-29.

Conditions:
Muscular dystrophy, limb-girdle, autosomal dominant 4. Also called: Calpain-3-related limb-girdle muscular dystrophy D4; MUSCULAR DYSTROPHY, LIMB-GIRDLE, TYPE 1I. Identifiers: Orphanet 565909, MedGen C4748295, MONDO:0029133, OMIM 618129.
Autosomal recessive limb-girdle muscular dystrophy type 2A (LGMDR1). Also called: Muscular dystrophy, limb-girdle, type 2A, Amish; LEYDEN-MOEBIUS MUSCULAR DYSTROPHY; MUSCULAR DYSTROPHY, PELVOFEMORAL; Limb-girdle muscular dystrophy, type 2A; Calpainopathy. Identifiers: Orphanet 267, MedGen C1869123, MONDO:0009675, OMIM 253600. Disease mechanism: loss of function.
CAPN3-related disorder. Also called: CAPN3-related condition; CAPN3-related disorders. Identifiers: MedGen CN239245.
Inborn genetic diseases. Identifiers: MedGen C0950123, MeSH D030342.
Autosomal recessive limb-girdle muscular dystrophy. Identifiers: Orphanet 102015, MedGen C2931907, MONDO:0015152.

Allele frequency attached by ClinVar (database versions not stated): gnomAD exomes 0.00015 and 0.00044; ExAC 0.00018; gnomAD 0.00023 and 0.00026; TOPMed 0.00031; ESP Exome Variant Server 0.00038.
gnomAD v4.1: 684 of 1,613,672 alleles (0.042%); highest among the groups gnomAD compares: Non-Finnish European, 0.055%; no homozygotes.

Submissions 1 to 5 of 16:

ClinGen Limb Girdle Muscular Dystrophy Variant Curation Expert Panel, ClinGen
Classification: Likely pathogenic for Autosomal recessive limb-girdle muscular dystrophy. Last evaluated: 2026-04-29. Review status: reviewed by expert panel. Criteria: ClinGen LGMD VCEP ACMG Specifications CAPN3 V2.0.0. Collection method: curation. Allele origin: germline. Inheritance: Autosomal recessive inheritance.
Comment: The NM_000070.3: c.1505T>C variant in CAPN3 is a missense variant predicted to cause the substitution of isoleucine by threonine at amino acid position 502 (p.Ile502Thr). This variant has been reported in at least 16 individuals with features of LGMD, including in trans with a pathogenic variant in one patient (c.1333G>A p.(Gly445Arg), 1.0 pt, PMID: 30919934, 10330340, LOVD Individual #00214106) and in unconfirmed phase with six unique pathogenic variants in 8 patients (c.146G>A, p.(Arg49His), 0.5 pts, ClinVar SCV000766735.7 internal data communication; c.550del p.(Thr184ArgfsTer36), 0.5 pts, PMID: 30564623, LOVD Individual #00220543; c.598_612del p.(Phe200_Leu204del), 0.5 pts x2, PMID: 3056462, ClinVar SCV000612634.3 internal data communication; c.759_761del p.(Lys254del), 0.5 pts, ClinVar SCV000612634.3 internal data communication; c.643_663del p.(Ser215_Gly221del), 0.5 pts x2, ClinVar SCV000491158.7 internal data communication; c.145C>T (p.Arg49Cys), 0.5 pts, SCV000612634.3 internal data communication (PM3_Very Strong). At least one patient with this variant and a second presumed diagnostic CAPN3 variant displayed progressive limb girdle muscle weakness and significantly reduced calpain-3 protein expression in skeletal muscle, which is specific for CAPN3-related LGMD (PMID: 26810512; PP4_Moderate). The filtering allele frequency of this variant is 0.0005825 (the upper threshold of the 95% CI of 644/1179854 European (non-Finnish) chromosomes) in gnomAD v4.1.1, which is greater than the ClinGen LGMD VCEP threshold (≤0.0001) (PM2_Supporting not met). The computational predictor REVEL gives a score of 0.963, which is above the LGMD VCEP threshold of ≥0.70, evidence that correlates with impact to CAPN3 function (PP3). In summary, this variant meets the criteria to be classified as Likely Pathogenic for autosomal recessive limb girdle muscular dystrophy based on the ACMG/AMP criteria applied, as specified by the ClinGen LGMD VCEP (specifications v2.0.0; 04/29/2026): PM3_Very Strong, PP4_Moderate, PP3.

Women's Health and Genetics/Laboratory Corporation of America, LabCorp
Classification: Pathogenic for Autosomal recessive limb-girdle muscular dystrophy. Last evaluated: 2026-05-21. Review status: criteria provided, single submitter. Criteria: LabCorp Variant Classification Summary - May 2015. Collection method: clinical testing. Allele origin: germline. Not counted in ClinVar's aggregate classification.
Comment: Variant summary: CAPN3 c.1505T>C (p.Ile502Thr) results in a non-conservative amino acid change located in the Peptidase C2, calpain, large subunit, domain III (IPR022682) of the encoded protein sequence. Algorithms developed to predict the effect of missense changes on protein structure and function all suggest that this variant is likely to be disruptive. The variant allele was found at a frequency of 0.00015 in 250192 control chromosomes. This frequency is not significantly higher than estimated for disease-causing variants in CAPN3, allowing no conclusion about variant significance. c.1505T>C has been observed in multiple individuals affected with Limb-Girdle Muscular Dystrophy, Autosomal Recessive (Lahoria_2016, Ten Dam_2019, Barp_2020, Nallamilli_2018, Richard_1999, Becker_2022, internal data). These data indicate that the variant is very likely to be associated with disease. To our knowledge, no experimental evidence demonstrating an impact on protein function has been reported. The following publications have been ascertained in the context of this evaluation (PMID: 31555977, 35135626, 26810512, 30564623, 10330340, 30919934). ClinVar contains an entry for this variant (Variation ID: 282512). Based on the evidence outlined above, the variant was classified as pathogenic.

Victorian Clinical Genetics Services, Murdoch Childrens Research Institute
Classification: Pathogenic for Autosomal recessive limb-girdle muscular dystrophy type 2A. Last evaluated: 2026-04-02. Review status: criteria provided, single submitter. Criteria: ACMG Guidelines, 2015. Collection method: clinical testing. Allele origin: germline. Affected: yes. Not counted in ClinVar's aggregate classification.
Comment: This variant is classified as Pathogenic. Evidence in support of pathogenic classification: Variant is present in gnomAD (v2) <0.01 (41 heterozygotes, 0 homozygotes); This variant has strong previous evidence of pathogenicity in unrelated individuals. This variant has been observed in compound heterozygous individuals (PMID: 30919934), and in heterozygotes without a second hit (PMID: 35734998, 22926650), with limb-girdle muscular dystrophy. It has also been reported as pathogenic and likely pathogenic in ClinVar, along with some older entries with VUS classifications; Missense variant consistently predicted to be damaging by multiple in silico tools or highly conserved with a major amino acid change. Additional information: Variant is predicted to result in a missense amino acid change from isoleucine to threonine; This variant is heterozygous; This gene is associated with both recessive and dominant disease. It is predominantly reported as a recessive condition, with the dominant condition reported with only a few missense variants and one in-frame deletion (PMID: 27259757, 28881388, 31066050); An alternative amino acid change at the same position has been observed in gnomAD (v2) (13 heterozygotes, 0 homozygotes); Other missense variants comparable to the one identified in this case have inconclusive previous evidence for pathogenicity. ClinVar contains three VUS entries for p.(Ile502Val), and p.(Ile502Ser) has also been identified in the literature in an individual with limb-girdle muscular dystrophy 2A (PMID: 18337726); Variant is located in the annotated calpain large subunit, domain III (DECIPHER); Loss of function is a known mechanism of disease in this gene and is associated with recessive limb-girdle muscular dystrophy 1 (MIM#253600). Dominant negative mechanism is a suggested mechanism for dominant limb-girdle muscular dystrophy 4 (MIM#618129) associated with milder phenotypes and later age of onset (PMID: 27259757, 28881388, 32342993).

Labcorp Genetics (formerly Invitae), Labcorp
Classification: Pathogenic for Autosomal recessive limb-girdle muscular dystrophy type 2A. Last evaluated: 2026-01-27. Review status: criteria provided, single submitter. Criteria: Invitae Variant Classification Sherloc (09022015). Collection method: clinical testing. Allele origin: germline. Not counted in ClinVar's aggregate classification.
Comment: This sequence change replaces isoleucine, which is neutral and non-polar, with threonine, which is neutral and polar, at codon 502 of the CAPN3 protein (p.Ile502Thr). This variant is present in population databases (rs148044781, gnomAD 0.02%). This missense change has been observed in individuals with clinical features of autosomal recessive CAPN3-related conditions (PMID: 10330340, 26810512, 30919934; internal data). ClinVar contains an entry for this variant (Variation ID: 282512). Invitae Evidence Modeling of protein sequence and biophysical properties (such as structural, functional, and spatial information, amino acid conservation, physicochemical variation, residue mobility, and thermodynamic stability) indicates that this missense variant is expected to disrupt CAPN3 protein function with a positive predictive value of 80%. This variant disrupts the p.Ile502 amino acid residue in CAPN3. Other variant(s) that disrupt this residue have been observed in individuals with CAPN3-related conditions (PMID: 18337726), which suggests that this may be a clinically significant amino acid residue. For these reasons, this variant has been classified as Pathogenic.

Natera, Inc.
Classification: Pathogenic for Limb-girdle muscular dystrophy type 2A. Last evaluated: 2025-11-10. Review status: criteria provided, single submitter. Criteria: Natera Variant Classification Schema (03/2026). Collection method: clinical testing. Allele origin: germline. Not counted in ClinVar's aggregate classification.
Comment: The c.1505T>C variant in CAPN3 is a missense variant predicted to cause substitution of isoleucine to threonine at amino acid 502. This variant is rare in the general population with a frequency below the threshold expected for the associated phenotype(s). This variant has been observed in one or more individuals affected with the associated recessive disease, as either homozygous or compound heterozygous with a second variant (PMID: 35135626, 30919934, 31555977, 26810512). This variant has been observed in affected individual(s) with monoallelic occurrence (heterozygous/hemizygous) (PMID: 30564623, 35734998, 22926650). Additionally, this variant has been observed to segregate in affected family members (PMID: 30919934). Computational prediction algorithms indicate this variant is likely to affect gene or protein function. Given the available evidence, this variant is classified as Pathogenic.

NM_000070.3(CAPN3):c.1505T>C (p.Ile502Thr)

Gene: CAPN3 (calpain 3; plus strand). Cytogenetic location: 15q15.1.
Variant type: single nucleotide variant.
Coding change: c.1505T>C on transcript NM_000070.3 (MANE Select); coding-DNA position 1505, T replaced by C.
Protein change: p.Ile502Thr; replaces isoleucine 502 with threonine.
Molecular consequence: missense variant.
Genome position (GRCh38, 1-based): chr15:42,401,791, T>C. VCF-style: chr15-42401791-T-C. GRCh37 (hg19) VCF-style: chr15-42693989-T-C.
Other names: NM_000070.3(CAPN3):c.1505T>C; c.1505T>C, p.Ile502Thr (NM_024344.2); c.1361T>C, p.Ile454Thr (NM_173087.2); short protein forms I502T, I454T.
Identifiers: ClinVar variation 282512 (VCV000282512.58), dbSNP rs148044781, ClinGen allele CA7511375.